The following is an entry in ClinVar:

ClinVar aggregate classification (germline): Likely pathogenic (1 of 4 stars; one submission).

Conditions:
Polycystic kidney disease, adult type (PKD1). Also called: Polycystic Kidney, Autosomal Dominant; POLYCYSTIC KIDNEY DISEASE, ADULT, TYPE I; Polycystic Kidney Disease 1, Autosomal Dominant; Polycystic kidney disease 1; Polycystic kidney disease 1, severe; POLYCYSTIC KIDNEY DISEASE 1 WITH OR WITHOUT POLYCYSTIC LIVER DISEASE. Identifiers: MedGen C3149841, MONDO:0008263, OMIM 173900.

Submission:

Greenwood Genetic Center Diagnostic Laboratories, Greenwood Genetic Center
Classification: Likely pathogenic for Polycystic kidney disease, adult type. Last evaluated: 2021-07-30. Review status: criteria provided, single submitter. Criteria: ACMG Guidelines, 2015. Collection method: clinical testing. Allele origin: germline. Affected: yes.
Comment: PVS1, PM2

NM_001009944.3(PKD1):c.2877_2880del (p.Gly960fs)

Gene: PKD1 (polycystin 1, transient receptor potential channel interacting; minus strand). Cytogenetic location: 16p13.3.
Variant type: Deletion.
Coding change: c.2877_2880del on transcript NM_001009944.3 (MANE Select); coding-DNA positions 2877 to 2880, 4 bases deleted (CGGC; older notation c.2877_2880delCGGC).
Protein change: p.Gly960fs; shifts the reading frame from glycine 960.
Molecular consequence: frameshift variant.
Genome position (GRCh38, 1-based): chr16:2,113,266-2,113,269, GCCG deleted on the plus strand (CGGC on the coding strand, the reverse complement: PKD1 is on the minus strand); deleting any 4 consecutive bases within chr16:2,113,266-2,113,272 gives the same sequence; the c. name uses the placement nearest the transcript's 3' end. VCF-style (leftmost placement, unchanged base first): chr16-2113265-AGCCG-A. GRCh37 (hg19) VCF-style: chr16-2163266-AGCCG-A.
Other names: c.2877_2880del, p.Gly960fs (NM_000296.4); short protein forms G960fs.
Identifiers: ClinVar variation 1334501 (VCV001334501.4), dbSNP rs2151809215, ClinGen allele CA2573054184.